The following is an entry in ClinVar:

ClinVar aggregate classification (germline): Benign/Likely benign. Review status: criteria provided, multiple submitters, no conflicts (2 of 4 stars). 7 submissions from 7 submitters: Benign (2); Likely benign (3). 2 of the submissions do not count toward it. Last evaluated 2025-12-22.

Conditions:
Parkinson disease 17 (PARK17). Also called: VPS35-Related Parkinson Disease. Identifiers: Orphanet 411602, MedGen C3280133, MONDO:0013625, OMIM 614203.

Allele frequency attached by ClinVar (database versions not stated): TOPMed 0.00057; 1000 Genomes Project 30x 0.00078; ESP Exome Variant Server 0.00092; 1000 Genomes Project 0.00100; gnomAD exomes 0.00134 and 0.00164; gnomAD 0.00151 and 0.00159; ExAC 0.00161.
gnomAD v4.1: 2,156 of 1,613,774 alleles (0.13%); highest among the groups gnomAD compares: Non-Finnish European, 0.12%; 3 homozygotes.

Submissions (7):

Labcorp Genetics (formerly Invitae), Labcorp
Classification: Benign for Parkinson disease 17. Last evaluated: 2025-12-22. Review status: criteria provided, single submitter. Criteria: Invitae Variant Classification Sherloc (09022015). Collection method: clinical testing. Allele origin: germline.

CeGaT Center for Human Genetics Tuebingen
Classification: Likely benign. Last evaluated: 2024-06-01. Review status: criteria provided, single submitter. Criteria: CeGaT Center For Human Genetics Tuebingen Variant Classification Criteria Version 2. Collection method: clinical testing. Allele origin: germline. Affected: yes. Observed: 1 variant allele.
Comment: VPS35: BP4, BS1

Mayo Clinic Laboratories, Mayo Clinic
Classification: Benign. Last evaluated: 2023-05-11. Review status: criteria provided, single submitter. Criteria: ACMG Guidelines, 2015. Collection method: clinical testing. Allele origin: germline. Observed: 4 variant alleles.
Comment: BS1, BS2, BP4, BP7

GeneDx
Classification: Likely benign. Last evaluated: 2020-01-12. Review status: criteria provided, single submitter. Criteria: GeneDx Variant Classification Process June 2021. Collection method: clinical testing. Allele origin: germline. Affected: yes.

Illumina Laboratory Services, Illumina
Classification: Likely benign for Parkinson disease 17. Last evaluated: 2018-01-13. Review status: criteria provided, single submitter. Criteria: ICSL Variant Classification Criteria 13 December 2019. Collection method: clinical testing. Allele origin: germline.
Comment: This variant was observed in the ICSL laboratory as part of a predisposition screen in an ostensibly healthy population. It had not been previously curated by ICSL or reported in the Human Gene Mutation Database (HGMD: prior to June 1st, 2018), and was therefore a candidate for classification through an automated scoring system. Utilizing variant allele frequency, disease prevalence and penetrance estimates, and inheritance mode, an automated score was calculated to assess if this variant is too frequent to cause the disease. Based on the score and internal cut-off values, a variant classified as likely benign is not then subjected to further curation. The score for this variant resulted in a classification of likely benign for this disease.

Clinical Genetics DNA and cytogenetics Diagnostics Lab, Erasmus MC, Erasmus Medical Center
Classification: Likely benign. Review status: no assertion criteria provided. Collection method: clinical testing. Allele origin: germline. Affected: yes. Study: VKGL Data-share Consensus. Not counted in ClinVar's aggregate classification.

Genome Diagnostics Laboratory, Amsterdam University Medical Center
Classification: Likely benign. Review status: no assertion criteria provided. Collection method: clinical testing. Allele origin: germline. Affected: yes. Study: VKGL Data-share Consensus. Not counted in ClinVar's aggregate classification.

Literature cited by the submitters: PubMed 21763483 (cited by Mayo Clinic Laboratories, Mayo Clinic).

NM_018206.6(VPS35):c.2241C>T (p.Ile747=)

Gene: VPS35 (VPS35 retromer complex component; minus strand). Cytogenetic location: 16q11.2.
Variant type: single nucleotide variant.
Coding change: c.2241C>T on transcript NM_018206.6 (MANE Select); coding-DNA position 2241, C replaced by T.
Protein change: p.Ile747=; no amino-acid change (isoleucine 747 retained).
Molecular consequence: synonymous variant.
Genome position (GRCh38, 1-based): chr16:46,660,622, G>A on the plus strand (C>T on the coding strand, the complement: VPS35 is on the minus strand). VCF-style: chr16-46660622-G-A. GRCh37 (hg19) VCF-style: chr16-46694534-G-A.
Other names: p.Ile747=.
Identifiers: ClinVar variation 319289 (VCV000319289.37), dbSNP rs140543776, ClinGen allele CA8036598.